The following is an entry in ClinVar:

NM_001039348.3(EFEMP1):c.564A>C (p.Gln188His)

Gene: EFEMP1 (EGF-like fibulin extracellular matrix protein 1; minus strand). Cytogenetic location: 2p16.1.
Variant type: single nucleotide variant.
Coding change: c.564A>C on transcript NM_001039348.3 (MANE Select); coding-DNA position 564, A replaced by C.
Protein change: p.Gln188His; replaces glutamine 188 with histidine.
Molecular consequence: missense variant.
Genome position (GRCh38, 1-based): chr2:55,881,688, T>G on the plus strand (A>C on the coding strand, the complement: EFEMP1 is on the minus strand). VCF-style: chr2-55881688-T-G. GRCh37 (hg19) VCF-style: chr2-56108823-T-G.
Other names: c.564A>C, p.Gln188His (NM_001039349.3); short protein forms Q188H.
Identifiers: ClinVar variation 2706898 (VCV002706898.3), dbSNP rs2465762674, ClinGen allele CA347029597.

ClinVar aggregate classification (germline): Uncertain significance (1 of 4 stars; one submission).

Submission:

Labcorp Genetics (formerly Invitae), Labcorp
Classification: Uncertain significance. Last evaluated: 2024-01-01. Review status: criteria provided, single submitter. Criteria: Invitae Variant Classification Sherloc (09022015). Collection method: clinical testing. Allele origin: germline.
Comment: This sequence change replaces glutamine, which is neutral and polar, with histidine, which is basic and polar, at codon 188 of the EFEMP1 protein (p.Gln188His). This variant is not present in population databases (gnomAD no frequency). This variant has not been reported in the literature in individuals affected with EFEMP1-related conditions. Advanced modeling of protein sequence and biophysical properties (such as structural, functional, and spatial information, amino acid conservation, physicochemical variation, residue mobility, and thermodynamic stability) performed at Invitae indicates that this missense variant is not expected to disrupt EFEMP1 protein function with a negative predictive value of 80%. In summary, the available evidence is currently insufficient to determine the role of this variant in disease. Therefore, it has been classified as a Variant of Uncertain Significance.